The following is an entry in ClinVar:

NM_030957.4(ADAMTS10):c.716G>A (p.Arg239His)

Gene: ADAMTS10 (ADAM metallopeptidase with thrombospondin type 1 motif 10; minus strand). Cytogenetic location: 19p13.2.
Variant type: single nucleotide variant.
Coding change: c.716G>A on transcript NM_030957.4 (MANE Select); coding-DNA position 716, G replaced by A.
Protein change: p.Arg239His; replaces arginine 239 with histidine.
Molecular consequence: missense variant.
Genome position (GRCh38, 1-based): chr19:8,601,022, C>T on the plus strand (G>A on the coding strand, the complement: ADAMTS10 is on the minus strand). VCF-style: chr19-8601022-C-T. GRCh37 (hg19) VCF-style: chr19-8665906-C-T.
Other names: p.Arg239His; short protein forms R239H.
Identifiers: ClinVar variation 893927 (VCV000893927.10), dbSNP rs144166844, ClinGen allele CA9160746.

ClinVar aggregate classification (germline): Conflicting classifications of pathogenicity. Review status: criteria provided, conflicting classifications (1 of 4 stars). 5 submissions from 5 submitters: Uncertain significance (3); Likely benign (2). Last evaluated 2025-08-27.

Conditions:
Inborn genetic diseases. Identifiers: MedGen C0950123, MeSH D030342.
Weill-Marchesani syndrome. Also called: WM Syndrome; Mesodermal dysmorphodystrophy congenital. Identifiers: Orphanet 3449, MedGen C0265313, MONDO:0018096.

Allele frequency attached by ClinVar (database versions not stated): 1000 Genomes Project 0.00040; 1000 Genomes Project 30x 0.00047; TOPMed 0.00056; gnomAD exomes 0.00058; ESP Exome Variant Server 0.00062; gnomAD 0.00068 and 0.00071; ExAC 0.00071.
gnomAD v4.1: 1,067 of 1,614,162 alleles (0.066%); highest among the groups gnomAD compares: Non-Finnish European, 0.081%; 2 homozygotes.

Submissions (5):

Mayo Clinic Laboratories, Mayo Clinic
Classification: Likely benign. Last evaluated: 2025-08-27. Review status: criteria provided, single submitter. Criteria: ACMG Guidelines, 2015. Collection method: clinical testing. Allele origin: germline. Observed: 1 variant allele.
Comment: BS1, BS2_supporting

Blueprint Genetics
Classification: Likely benign. Last evaluated: 2024-11-26. Review status: criteria provided, single submitter. Criteria: ACMG Guidelines, 2015. Collection method: clinical testing. Allele origin: germline.

Labcorp Genetics (formerly Invitae), Labcorp
Classification: Uncertain significance. Last evaluated: 2022-10-28. Review status: criteria provided, single submitter. Criteria: Invitae Variant Classification Sherloc (09022015). Collection method: clinical testing. Allele origin: germline.
Comment: This sequence change replaces arginine, which is basic and polar, with histidine, which is basic and polar, at codon 239 of the ADAMTS10 protein (p.Arg239His). This variant is present in population databases (rs144166844, gnomAD 0.1%), including at least one homozygous and/or hemizygous individual. This variant has not been reported in the literature in individuals affected with ADAMTS10-related conditions. ClinVar contains an entry for this variant (Variation ID: 893927). Algorithms developed to predict the effect of missense changes on protein structure and function are either unavailable or do not agree on the potential impact of this missense change (SIFT: "Deleterious"; PolyPhen-2: "Benign"; Align-GVGD: "Class C25"). In summary, the available evidence is currently insufficient to determine the role of this variant in disease. Therefore, it has been classified as a Variant of Uncertain Significance.

Ambry Genetics
Classification: Uncertain significance for Inborn genetic diseases. Last evaluated: 2021-08-13. Review status: criteria provided, single submitter. Criteria: Ambry Variant Classification Scheme 2023. Collection method: clinical testing. Allele origin: germline.

Illumina Laboratory Services, Illumina
Classification: Uncertain significance for Weill-Marchesani syndrome. Last evaluated: 2018-01-13. Review status: criteria provided, single submitter. Criteria: ICSL Variant Classification Criteria 13 December 2019. Collection method: clinical testing. Allele origin: germline.